The following is an entry in ClinVar:

ClinVar aggregate classification (germline): Uncertain significance. Review status: criteria provided, multiple submitters, no conflicts (2 of 4 stars). 2 submissions from 2 submitters: Uncertain significance (2). Last evaluated 2024-10-16.

Allele frequency attached by ClinVar (database versions not stated): TOPMed 0.00001; gnomAD exomes 0.00003; ExAC 0.00004; gnomAD 0.00005; ESP Exome Variant Server 0.00015.
gnomAD v4.1: 46 of 1,613,952 alleles (0.0029%); highest among the groups gnomAD compares: Middle Eastern, 0.016%; no homozygotes.

Submissions (2):

Blueprint Genetics
Classification: Uncertain significance. Last evaluated: 2024-10-16. Review status: criteria provided, single submitter. Criteria: ACMG Guidelines, 2015. Collection method: clinical testing. Allele origin: germline.

Labcorp Genetics (formerly Invitae), Labcorp
Classification: Uncertain significance. Last evaluated: 2023-08-17. Review status: criteria provided, single submitter. Criteria: Invitae Variant Classification Sherloc (09022015). Collection method: clinical testing. Allele origin: germline.
Comment: This sequence change replaces glutamic acid, which is acidic and polar, with lysine, which is basic and polar, at codon 196 of the CABP2 protein (p.Glu196Lys). This variant is present in population databases (rs199708887, gnomAD 0.006%). This variant has not been reported in the literature in individuals affected with CABP2-related conditions. An algorithm developed to predict the effect of missense changes on protein structure and function (PolyPhen-2) suggests that this variant is likely to be disruptive. In summary, the available evidence is currently insufficient to determine the role of this variant in disease. Therefore, it has been classified as a Variant of Uncertain Significance.

NM_016366.3(CABP2):c.586G>A (p.Glu196Lys)

Gene: CABP2 (calcium binding protein 2; minus strand). Cytogenetic location: 11q13.2.
Variant type: single nucleotide variant.
Coding change: c.586G>A on transcript NM_016366.3 (MANE Select); coding-DNA position 586, G replaced by A.
Protein change: p.Glu196Lys; replaces glutamic acid 196 with lysine.
Molecular consequence: missense variant.
Genome position (GRCh38, 1-based): chr11:67,519,844, C>T on the plus strand (G>A on the coding strand, the complement: CABP2 is on the minus strand). VCF-style: chr11-67519844-C-T. GRCh37 (hg19) VCF-style: chr11-67287315-C-T.
Other names: c.604G>A, p.Glu202Lys (NM_001318496.2); short protein forms E196K, E202K.
Identifiers: ClinVar variation 2894048 (VCV002894048.2), dbSNP rs199708887, ClinGen allele CA6142375.